The following is an entry in ClinVar:

ClinVar aggregate classification (germline): Uncertain significance (1 of 4 stars; one submission).

Conditions:
Cardiovascular phenotype. Identifiers: MedGen CN230736.

gnomAD v4.1: 2 of 1,596,976 alleles (0.00013%); highest among the groups gnomAD compares: Non-Finnish European, 0.00017%; no homozygotes.

Submission:

Ambry Genetics
Classification: Uncertain significance for Cardiovascular phenotype. Last evaluated: 2026-07-11. Review status: criteria provided, single submitter. Criteria: Ambry Variant Classification Scheme 2023. Collection method: clinical testing. Allele origin: germline.
Comment: The p.D2130A variant (also known as c.6389A>C), located in coding exon 47 of the CACNA1C gene, results from an A to C substitution at nucleotide position 6389. The aspartic acid at codon 2130 is replaced by alanine, an amino acid with dissimilar properties. This amino acid position is conserved. In addition, this alteration is predicted to be tolerated by in silico analysis. Based on the available evidence, the clinical significance of this variant remains unclear.

NM_000719.7(CACNA1C):c.6389A>C (p.Asp2130Ala)

Gene: CACNA1C (calcium voltage-gated channel subunit alpha1 C; plus strand). Cytogenetic location: 12p13.33.
Variant type: single nucleotide variant.
Coding change: c.6389A>C on transcript NM_000719.7 (MANE Select); coding-DNA position 6389, A replaced by C.
Protein change: p.Asp2130Ala; replaces aspartic acid 2130 with alanine.
Molecular consequence: missense variant.
Genome position (GRCh38, 1-based): chr12:2,691,171, A>C. VCF-style: chr12-2691171-A-C. GRCh37 (hg19) VCF-style: chr12-2800337-A-C.
Other names: c.6446A>C, p.Asp2149Ala (NM_001129834.2, NM_001129835.2, NM_001129833.2); c.6440A>C, p.Asp2147Ala (NM_001129836.2); c.6413A>C, p.Asp2138Ala (NM_001129837.2, NM_001129838.2); c.6407A>C, p.Asp2136Ala (NM_001129839.2); c.6389A>C, p.Asp2130Ala (NM_001129840.2, NM_001129841.2, NM_001129842.2 and 2 more transcripts); c.6533A>C, p.Asp2178Ala (NM_001129827.2); c.6512A>C, p.Asp2171Ala (NM_001129829.2); c.6494A>C, p.Asp2165Ala (NM_001129830.3, NM_001167624.3); and 6 more; short protein forms D2130A, D2138A, D2149A, D2178A, D2190A, D2213A, D2150A, D2171A.
Identifiers: ClinVar variation 5033577 (VCV005033577.1).
Genomic context (GRCh38, chr12:2,691,171, plus strand): 5'-GCGAAGAGGACGCGGGCTGTGTGCGCGCGCGGGGTCGACCGAGTGAGGAGGAGCTCCAGG[A>C]CAGCAGGGTCTACGTCAGCAGCCTGTAGTGGGCGCTGCCAGATGCGGGCTTTTTTTTATT-3'
Protein context (NP_000710.5, residues 2120-2138): RGRPSEEELQ[Asp2130Ala]SRVYVSSL